The following is an entry in ClinVar:

ClinVar aggregate classification (germline): Uncertain significance (1 of 4 stars; one submission).

Conditions:
Hereditary cancer-predisposing syndrome. Also called: Neoplastic Syndromes, Hereditary; Tumor predisposition; Hereditary neoplastic syndrome; Hereditary Cancer Syndrome. Identifiers: Orphanet 140162, MedGen C0027672, MeSH D009386, MONDO:0015356.

Submission:

Ambry Genetics
Classification: Uncertain significance for Hereditary cancer-predisposing syndrome. Last evaluated: 2026-07-07. Review status: criteria provided, single submitter. Criteria: Ambry Variant Classification Scheme 2023. Collection method: clinical testing. Allele origin: germline.
Comment: The p.P6A variant (also known as c.16C>G), located in coding exon 1 of the PDGFRA gene, results from a C to G substitution at nucleotide position 16. The proline at codon 6 is replaced by alanine, an amino acid with highly similar properties. This amino acid position is conserved. In addition, this alteration is predicted to be tolerated by in silico analysis. Based on the available evidence, the clinical significance of this variant remains unclear.

NM_006206.6(PDGFRA):c.16C>G (p.Pro6Ala)

Gene: PDGFRA (platelet derived growth factor receptor alpha; plus strand). Cytogenetic location: 4q12.
Variant type: single nucleotide variant.
Coding change: c.16C>G on transcript NM_006206.6 (MANE Select); coding-DNA position 16, C replaced by G.
Protein change: p.Pro6Ala; replaces proline 6 with alanine.
Molecular consequence: missense variant.
Genome position (GRCh38, 1-based): chr4:54,258,784, C>G. VCF-style: chr4-54258784-C-G. GRCh37 (hg19) VCF-style: chr4-55124951-C-G.
Other names: c.16C>G, p.Pro6Ala (NM_001347827.2, NM_001347829.2); c.91C>G, p.Pro31Ala (NM_001347828.2); c.55C>G, p.Pro19Ala (NM_001347830.2); short protein forms P19A, P31A, P6A.
Identifiers: ClinVar variation 5026431 (VCV005026431.1).